The following is an entry in ClinVar:

NM_018076.5(ODAD2):c.2501T>C (p.Ile834Thr)

Gene: ODAD2 (outer dynein arm docking complex subunit 2; minus strand). Cytogenetic location: 10p12.1.
Variant type: single nucleotide variant.
Coding change: c.2501T>C on transcript NM_018076.5 (MANE Select); coding-DNA position 2501, T replaced by C.
Protein change: p.Ile834Thr; replaces isoleucine 834 with threonine.
Molecular consequence: missense variant.
Genome position (GRCh38, 1-based): chr10:27,907,772, A>G on the plus strand (T>C on the coding strand, the complement: ODAD2 is on the minus strand). VCF-style: chr10-27907772-A-G. GRCh37 (hg19) VCF-style: chr10-28196701-A-G.
Other names: c.2501T>C, p.Ile834Thr (NM_001290020.2); c.1076T>C, p.Ile359Thr (NM_001290021.2); c.1577T>C, p.Ile526Thr (NM_001312689.2); short protein forms I359T, I526T, I834T.
Identifiers: ClinVar variation 644430 (VCV000644430.14), dbSNP rs150213638, ClinGen allele CA5453180.

ClinVar aggregate classification (germline): Uncertain significance. Review status: criteria provided, multiple submitters, no conflicts (2 of 4 stars). 2 submissions from 2 submitters: Uncertain significance (2). Last evaluated 2025-08-11.

Conditions:
Primary ciliary dyskinesia 23 (CILD23). Also called: CILIARY DYSKINESIA, PRIMARY, 23, WITH OR WITHOUT SITUS INVERSUS. Identifiers: Orphanet 244, MedGen C3809548, MONDO:0014193, OMIM 615451.
Primary ciliary dyskinesia. Also called: Ciliary dyskinesia. Identifiers: Orphanet 244, MedGen C0008780, MONDO:0016575, HP:0012265.

Allele frequency attached by ClinVar (database versions not stated): gnomAD 0.00001; ExAC 0.00002; gnomAD exomes 0.00002 and 0.00005; TOPMed 0.00003; ESP Exome Variant Server 0.00008.
gnomAD v4.1: 69 of 1,611,826 alleles (0.0043%); highest among the groups gnomAD compares: Non-Finnish European, 0.0055%; no homozygotes.

Submissions (2):

Ambry Genetics
Classification: Uncertain significance for Primary ciliary dyskinesia. Last evaluated: 2025-08-11. Review status: criteria provided, single submitter. Criteria: Ambry Variant Classification Scheme 2023. Collection method: clinical testing. Allele origin: germline.

Labcorp Genetics (formerly Invitae), Labcorp
Classification: Uncertain significance for Primary ciliary dyskinesia 23. Last evaluated: 2019-11-07. Review status: criteria provided, single submitter. Criteria: Invitae Variant Classification Sherloc (09022015). Collection method: clinical testing. Allele origin: germline.
Comment: This sequence change replaces isoleucine with threonine at codon 834 of the ARMC4 protein (p.Ile834Thr). The isoleucine residue is highly conserved and there is a moderate physicochemical difference between isoleucine and threonine. This variant is present in population databases (rs150213638, ExAC 0.003%). This variant has not been reported in the literature in individuals with ARMC4-related disease. Algorithms developed to predict the effect of missense changes on protein structure and function are either unavailable or do not agree on the potential impact of this missense change (SIFT: "Deleterious"; PolyPhen-2: "Probably Damaging"; Align-GVGD: "Class C0"). In summary, the available evidence is currently insufficient to determine the role of this variant in disease. Therefore, it has been classified as a Variant of Uncertain Significance.